The following is an entry in ClinVar:

NM_000052.7(ATP7A):c.2456A>G (p.Glu819Gly)

Gene: ATP7A (ATPase copper transporting alpha; plus strand). Cytogenetic location: Xq21.1.
Variant type: single nucleotide variant.
Coding change: c.2456A>G on transcript NM_000052.7 (MANE Select); coding-DNA position 2456, A replaced by G.
Protein change: p.Glu819Gly; replaces glutamic acid 819 with glycine.
Molecular consequence: missense variant.
Genome position (GRCh38, 1-based): chrX:78,014,711, A>G. VCF-style: chrX-78014711-A-G. GRCh37 (hg19) VCF-style: chrX-77270208-A-G.
Other names: c.2222A>G, p.Glu741Gly (NM_001282224.2); short protein forms E819G, E741G.
Identifiers: ClinVar variation 2948362 (VCV002948362.3), dbSNP rs2522358992, ClinGen allele CA413599986.

ClinVar aggregate classification (germline): Uncertain significance (1 of 4 stars; one submission).

Conditions:
Menkes kinky-hair syndrome (MNK). Also called: Copper transport disease; Menkes Disease; Classic Menkes Disease. Identifiers: Orphanet 565, MedGen C0022716, MONDO:0010651, OMIM 309400.
Cutis laxa, X-linked (OHS). Also called: EDS IX; Occipital horn syndrome. Identifiers: Orphanet 198, MedGen C0268353, MONDO:0010572, OMIM 304150.
X-linked distal spinal muscular atrophy type 3. Also called: ATP7A-Related Distal Motor Neuropathy; SPINAL MUSCULAR ATROPHY, DISTAL, X-LINKED RECESSIVE; NEURONOPATHY, DISTAL HEREDITARY MOTOR, X-LINKED; NEUROPATHY, DISTAL HEREDITARY MOTOR, X-LINKED. Identifiers: Orphanet 139557, MedGen C1845359, MONDO:0010338, OMIM 300489.

Submission:

Labcorp Genetics (formerly Invitae), Labcorp
Classification: Uncertain significance for X-linked distal spinal muscular atrophy type 3; Cutis laxa, X-linked; Menkes kinky-hair syndrome. Last evaluated: 2023-05-30. Review status: criteria provided, single submitter. Criteria: Invitae Variant Classification Sherloc (09022015). Collection method: clinical testing. Allele origin: germline.
Comment: This sequence change replaces glutamic acid, which is acidic and polar, with glycine, which is neutral and non-polar, at codon 819 of the ATP7A protein (p.Glu819Gly). In summary, the available evidence is currently insufficient to determine the role of this variant in disease. Therefore, it has been classified as a Variant of Uncertain Significance. Advanced modeling of protein sequence and biophysical properties (such as structural, functional, and spatial information, amino acid conservation, physicochemical variation, residue mobility, and thermodynamic stability) performed at Invitae indicates that this missense variant is not expected to disrupt ATP7A protein function. This variant has not been reported in the literature in individuals affected with ATP7A-related conditions. This variant is not present in population databases (gnomAD no frequency).